The following is an entry in ClinVar:

NM_004260.4(RECQL4):c.2831A>C (p.His944Pro)

Gene: RECQL4 (RecQ like helicase 4; minus strand). Cytogenetic location: 8q24.3.
Variant type: single nucleotide variant.
Coding change: c.2831A>C on transcript NM_004260.4 (MANE Select); coding-DNA position 2831, A replaced by C.
Protein change: p.His944Pro; replaces histidine 944 with proline.
Molecular consequence: missense variant.
Genome position (GRCh38, 1-based): chr8:144,512,696, T>G on the plus strand (A>C on the coding strand, the complement: RECQL4 is on the minus strand). VCF-style: chr8-144512696-T-G. GRCh37 (hg19) VCF-style: chr8-145738079-T-G.
Other names: short protein forms H944P.
Identifiers: ClinVar variation 848458 (VCV000848458.6), dbSNP rs759772792, ClinGen allele CA372674161.
Genomic context (GRCh38, chr8:144,512,696, plus strand): 5'-GCTTACCTGTGGGCCAGGGCCTGGAGCTGGGCAGGGCCCCCAGGGCAGTTCAGACGGCAA[T>G]GGGTATAGGTGGTCGCCAGCAGCTCCAGCCAGTGGTGTGGGTGCAGCTCCAGGTAGCACA-3'
Protein context (NP_004251.4, residues 934-954): WLELLATTYT[His944Pro]CRLNCPGGPA

ClinVar aggregate classification (germline): Uncertain significance (1 of 4 stars; one submission).

Conditions:
Baller-Gerold syndrome (BGS). Also called: CRANIOSYNOSTOSIS WITH RADIAL DEFECTS. Identifiers: Orphanet 1225, MedGen C0265308, MONDO:0009039, OMIM 218600.

Allele frequency attached by ClinVar (database versions not stated): gnomAD 0.00001; TOPMed 0.00001.
gnomAD v4.1: 4 of 1,612,210 alleles (0.00025%); highest among the groups gnomAD compares: East Asian, 0.0067%; no homozygotes.

Submission:

Labcorp Genetics (formerly Invitae), Labcorp
Classification: Uncertain significance for Baller-Gerold syndrome. Last evaluated: 2025-05-19. Review status: criteria provided, single submitter. Criteria: Invitae Variant Classification Sherloc (09022015). Collection method: clinical testing. Allele origin: germline.
Comment: This sequence change replaces histidine, which is basic and polar, with proline, which is neutral and non-polar, at codon 944 of the RECQL4 protein (p.His944Pro). This variant is not present in population databases (gnomAD no frequency). This variant has not been reported in the literature in individuals affected with RECQL4-related conditions. ClinVar contains an entry for this variant (Variation ID: 848458). Invitae Evidence Modeling of protein sequence and biophysical properties (such as structural, functional, and spatial information, amino acid conservation, physicochemical variation, residue mobility, and thermodynamic stability) indicates that this missense variant is not expected to disrupt RECQL4 protein function with a negative predictive value of 80%. In summary, the available evidence is currently insufficient to determine the role of this variant in disease. Therefore, it has been classified as a Variant of Uncertain Significance.